The following is an entry in ClinVar:

ClinVar aggregate classification (germline): Benign/Likely benign. Review status: criteria provided, multiple submitters, no conflicts (2 of 4 stars). 10 submissions from 9 submitters: Benign (5); Likely benign (2). 3 of the submissions do not count toward it. Last evaluated 2026-02-04.

Conditions:
Pendred syndrome (PDS). Also called: Pendred's syndrome; DEAFNESS WITH GOITER; GOITER-DEAFNESS SYNDROME; HYPOTHYROIDISM, CONGENITAL, DUE TO DYSHORMONOGENESIS, 2B; Pendred Syndrome (PDS); THYROID DYSHORMONOGENESIS 2B. Identifiers: Orphanet 705, MedGen C0271829, MONDO:0010134, OMIM 274600.
Autosomal recessive nonsyndromic hearing loss 4 (DFNB4). Also called: Nonsyndromic enlarged vestibular aqueduct (NSEVA); FOXI1-Related Pendred Syndrome; KCNJ10-Related Pendred Syndrome; Deafness, autosomal recessive 4, with enlarged vestibular aqueduct; DEAFNESS, AUTOSOMAL RECESSIVE 4, WITH ENLARGED VESTIBULAR AQUEDUCT, DIGENIC; NEUROSENSORY NONSYNDROMIC RECESSIVE DEAFNESS 4. Identifiers: Orphanet 90636, MedGen C3538946, MONDO:0010933, OMIM 600791.

Allele frequency attached by ClinVar (database versions not stated): gnomAD exomes 0.00169 and 0.00062; ExAC 0.00213; gnomAD 0.00737 and 0.00782; 1000 Genomes Project 0.00759; 1000 Genomes Project 30x 0.00765; TOPMed 0.00839; ESP Exome Variant Server 0.00861.
gnomAD v4.1: 2,054 of 1,612,844 alleles (0.13%); highest among the groups gnomAD compares: African/African-American, 2.5%; 17 homozygotes.

Submissions (10):

Labcorp Genetics (formerly Invitae), Labcorp
Classification: Benign. Last evaluated: 2026-02-04. Review status: criteria provided, single submitter. Criteria: Invitae Variant Classification Sherloc (09022015). Collection method: clinical testing. Allele origin: germline.

ARUP Laboratories, Molecular Genetics and Genomics, ARUP Laboratories
Classification: Benign. Last evaluated: 2022-07-15. Review status: criteria provided, single submitter. Criteria: ARUP Molecular Germline Variant Investigation Process 2021. Collection method: clinical testing. Allele origin: germline.

GeneDx
Classification: Benign. Last evaluated: 2019-05-22. Review status: criteria provided, single submitter. Criteria: GeneDx Variant Classification Process June 2021. Collection method: clinical testing. Allele origin: germline. Affected: yes.
Comment: This variant is associated with the following publications: (PMID: 21704276, 17146393)

Illumina Laboratory Services, Illumina
Classification: Likely benign for Autosomal recessive nonsyndromic hearing loss 4. Last evaluated: 2017-11-20. Review status: criteria provided, single submitter. Criteria: ICSL Variant Classification Criteria 13 December 2019. Collection method: clinical testing. Allele origin: germline.
Comment: This variant was observed as part of a predisposition screen in an ostensibly healthy population. A literature search was performed for the gene, cDNA change, and amino acid change (where applicable). Publications were found based on this search. The evidence from the literature, in combination with allele frequency data from public databases where available, was sufficient to determine this variant is unlikely to cause disease. Therefore, this variant is classified as likely benign.

Illumina Laboratory Services, Illumina
Classification: Benign for Pendred syndrome. Last evaluated: 2017-04-28. Review status: criteria provided, single submitter. Criteria: ICSL Variant Classification Criteria 13 December 2019. Collection method: clinical testing. Allele origin: germline.
Comment: This variant was observed as part of a predisposition screen in an ostensibly healthy population. A literature search was performed for the gene, cDNA change, and amino acid change (where applicable). Publications were found based on this search. The evidence from the literature, in combination with allele frequency data from public databases where available, was sufficient to rule this variant out of causing disease. Therefore, this variant is classified as benign.

Laboratory for Molecular Medicine, Mass General Brigham Personalized Medicine
Classification: Benign. Last evaluated: 2012-05-07. Review status: criteria provided, single submitter. Criteria: LMM Criteria. Collection method: clinical testing. Allele origin: germline. Observed: 15 variant alleles.
Comment: "Leu496Leu in Exon 13 of SLC26A4: This variant is not expected to have clinical significance because it does not alter an amino acid residue, is not located wit hin the splice consensus sequence, and has been identified in 2.6% (97/3738) of African American chromosomes from a broad population by the NHLBI Exome Sequenci ng Project (dbSNP rs77407094)."

Breakthrough Genomics
Classification: Likely benign. Review status: criteria provided, single submitter. Criteria: ACMG Guidelines, 2015. Collection method: not provided. Allele origin: germline. Inheritance: Autosomal recessive inheritance. Affected: yes.

Counsyl
Classification: Likely benign for Pendred's syndrome. Last evaluated: 2014-10-17. Review status: no assertion criteria provided. Collection method: literature only. Allele origin: unknown. Inheritance: Autosomal recessive inheritance. Not counted in ClinVar's aggregate classification.

Clinical Genetics DNA and cytogenetics Diagnostics Lab, Erasmus MC, Erasmus Medical Center
Classification: Benign. Review status: no assertion criteria provided. Collection method: clinical testing. Allele origin: germline. Affected: yes. Study: VKGL Data-share Consensus. Not counted in ClinVar's aggregate classification.

Clinical Genetics, Academic Medical Center
Classification: Benign. Review status: no assertion criteria provided. Collection method: clinical testing. Allele origin: germline. Affected: yes. Study: VKGL Data-share Consensus. Not counted in ClinVar's aggregate classification.

Literature cited by the submitters: PubMed 21704276 (cited by Illumina Laboratory Services, Illumina and Counsyl); PubMed 17146393 (cited by Illumina Laboratory Services, Illumina and Counsyl).

NM_000441.2(SLC26A4):c.1488C>T (p.Leu496=)

Gene: SLC26A4 (solute carrier family 26 member 4; plus strand). Cytogenetic location: 7q22.3.
Variant type: single nucleotide variant.
Coding change: c.1488C>T on transcript NM_000441.2 (MANE Select); coding-DNA position 1488, C replaced by T.
Protein change: p.Leu496=; no amino-acid change (leucine 496 retained).
Molecular consequence: synonymous variant.
Genome position (GRCh38, 1-based): chr7:107,695,983, C>T. VCF-style: chr7-107695983-C-T. GRCh37 (hg19) VCF-style: chr7-107336428-C-T.
Identifiers: ClinVar variation 43509 (VCV000043509.24), dbSNP rs77407094, ClinGen allele CA132665.